The following is an entry in ClinVar:

ClinVar aggregate classification (germline): Uncertain significance. Review status: criteria provided, multiple submitters, no conflicts (2 of 4 stars). 2 submissions from 2 submitters: Uncertain significance (2). Last evaluated 2021-09-19.

Conditions:
Congenital myasthenic syndrome 3A. Also called: Myasthenic syndrome, congenital, 3a, slow-channel. Identifiers: Orphanet 590, MedGen C4225372, MONDO:0014583, OMIM 616321.
Congenital myasthenic syndrome 3B (CMS3B). Also called: Myasthenic syndrome, congenital, 3B, fast-channel. Identifiers: Orphanet 590, MedGen C4225371, MONDO:0014584, OMIM 616322.
Congenital myasthenic syndrome 3C. Also called: Myasthenic syndrome, congenital, 3c, associated with acetylcholine receptor deficiency. Identifiers: Orphanet 590, MedGen C4225370, MONDO:0014585, OMIM 616323.
Lethal multiple pterygium syndrome (LMPS). Identifiers: Orphanet 33108, MedGen C1854678, MONDO:0009668, OMIM 253290.

Allele frequency attached by ClinVar (database versions not stated): TOPMed 0.00001.

Submissions (2):

Fulgent Genetics
Classification: Uncertain significance for Lethal multiple pterygium syndrome; Congenital myasthenic syndrome 3A; Congenital myasthenic syndrome 3B; Congenital myasthenic syndrome 3C. Last evaluated: 2021-09-19. Review status: criteria provided, single submitter. Criteria: ACMG Guidelines, 2015. Collection method: clinical testing. Allele origin: unknown.

Labcorp Genetics (formerly Invitae), Labcorp
Classification: Uncertain significance for Lethal multiple pterygium syndrome. Last evaluated: 2021-03-26. Review status: criteria provided, single submitter. Criteria: Invitae Variant Classification Sherloc (09022015). Collection method: clinical testing. Allele origin: germline.
Comment: In summary, the available evidence is currently insufficient to determine the role of this variant in disease. Therefore, it has been classified as a Variant of Uncertain Significance. Advanced modeling of protein sequence and biophysical properties (such as structural, functional, and spatial information, amino acid conservation, physicochemical variation, residue mobility, and thermodynamic stability) performed at Invitae indicates that this missense variant is not expected to disrupt CHRND protein function. This sequence change replaces aspartic acid with asparagine at codon 201 of the CHRND protein (p.Asp201Asn). The aspartic acid residue is highly conserved and there is a small physicochemical difference between aspartic acid and asparagine. This variant is not present in population databases (ExAC no frequency). This variant has not been reported in the literature in individuals with CHRND-related conditions.

NM_000751.3(CHRND):c.601G>A (p.Asp201Asn)

Gene: CHRND (cholinergic receptor nicotinic delta subunit; plus strand). Cytogenetic location: 2q37.1.
Variant type: single nucleotide variant.
Coding change: c.601G>A on transcript NM_000751.3 (MANE Select); coding-DNA position 601, G replaced by A.
Protein change: p.Asp201Asn; replaces aspartic acid 201 with asparagine.
Molecular consequence: missense variant. On other transcripts: intron variant (1).
Genome position (GRCh38, 1-based): chr2:232,528,953, G>A. VCF-style: chr2-232528953-G-A. GRCh37 (hg19) VCF-style: chr2-233393663-G-A.
Other names: c.556G>A, p.Asp186Asn (NM_001256657.2); c.298G>A, p.Asp100Asn (NM_001311196.2); c.238+297G>A (NM_001311195.2); short protein forms D186N, D100N, D201N.
Identifiers: ClinVar variation 1378317 (VCV001378317.9), dbSNP rs1691584182, ClinGen allele CA350999266.